The following is an entry in ClinVar:

ClinVar aggregate classification (germline): Likely benign. Review status: criteria provided, single submitter (1 of 4 stars). 2 submissions from 2 submitters: Likely benign (1). 1 of the submissions does not count toward it. Last evaluated 2023-04-12.

Conditions:
ABCC2-related disorder. Also called: ABCC2-related condition.

Allele frequency attached by ClinVar (database versions not stated): gnomAD exomes below 0.00001; TOPMed below 0.00001; ExAC 0.00002.
gnomAD v4.1: 1 of 1,614,222 alleles (0.000062%); highest among the groups gnomAD compares: East Asian, 0.0022%; no homozygotes.

Submissions (2):

Labcorp Genetics (formerly Invitae), Labcorp
Classification: Likely benign. Last evaluated: 2023-04-12. Review status: criteria provided, single submitter. Criteria: Invitae Variant Classification Sherloc (09022015). Collection method: clinical testing. Allele origin: germline.

PreventionGenetics, part of Exact Sciences
Classification: Likely benign for ABCC2-related condition. Last evaluated: 2024-05-17. Review status: no assertion criteria provided. Collection method: clinical testing. Allele origin: germline. Not counted in ClinVar's aggregate classification.
Comment: This variant is classified as likely benign based on ACMG/AMP sequence variant interpretation guidelines (Richards et al. 2015 PMID: 25741868, with internal and published modifications).

NM_000392.5(ABCC2):c.3180G>A (p.Leu1060=)

Gene: ABCC2 (ATP binding cassette subfamily C member 2; plus strand). Cytogenetic location: 10q24.2.
Variant type: single nucleotide variant.
Coding change: c.3180G>A on transcript NM_000392.5 (MANE Select); coding-DNA position 3180, G replaced by A.
Protein change: p.Leu1060=; no amino-acid change (leucine 1060 retained).
Molecular consequence: synonymous variant.
Genome position (GRCh38, 1-based): chr10:99,832,053, G>A. VCF-style: chr10-99832053-G-A. GRCh37 (hg19) VCF-style: chr10-101591810-G-A.
Other names: c.3180G>A (NM_000392.4).
Identifiers: ClinVar variation 2906345 (VCV002906345.4), dbSNP rs775672473, ClinGen allele CA5643710.